The following is an entry in ClinVar:

ClinVar aggregate classification (germline): Uncertain significance. Review status: criteria provided, multiple submitters, no conflicts (2 of 4 stars). 2 submissions from 2 submitters: Uncertain significance (2). Last evaluated 2022-07-26.

Allele frequency attached by ClinVar (database versions not stated): gnomAD 0.00004; TOPMed 0.00005; ExAC 0.00008; ESP Exome Variant Server 0.00008; gnomAD exomes 0.00009.
gnomAD v4.1: 132 of 1,613,968 alleles (0.0082%); highest among the groups gnomAD compares: Non-Finnish European, 0.011%; no homozygotes.

Submissions (2):

Ambry Genetics
Classification: Uncertain significance. Last evaluated: 2022-07-26. Review status: criteria provided, single submitter. Criteria: Ambry Variant Classification Scheme 2023. Collection method: clinical testing. Allele origin: germline.

Labcorp Genetics (formerly Invitae), Labcorp
Classification: Uncertain significance. Last evaluated: 2022-04-08. Review status: criteria provided, single submitter. Criteria: Invitae Variant Classification Sherloc (09022015). Collection method: clinical testing. Allele origin: germline.
Comment: This sequence change replaces aspartic acid, which is acidic and polar, with asparagine, which is neutral and polar, at codon 636 of the TMEM132E protein (p.Asp636Asn). This variant is present in population databases (rs376500448, gnomAD 0.01%). This variant has not been reported in the literature in individuals affected with TMEM132E-related conditions. Algorithms developed to predict the effect of missense changes on protein structure and function are either unavailable or do not agree on the potential impact of this missense change (SIFT: "Tolerated"; PolyPhen-2: "Not Available"; Align-GVGD: "Class C0"). In summary, the available evidence is currently insufficient to determine the role of this variant in disease. Therefore, it has been classified as a Variant of Uncertain Significance.

NM_001304438.2(TMEM132E):c.1906G>A (p.Asp636Asn)

Gene: TMEM132E (transmembrane protein 132E; plus strand). Cytogenetic location: 17q12.
Variant type: single nucleotide variant.
Coding change: c.1906G>A on transcript NM_001304438.2 (MANE Select); coding-DNA position 1906, G replaced by A.
Protein change: p.Asp636Asn; replaces aspartic acid 636 with asparagine.
Molecular consequence: missense variant.
Genome position (GRCh38, 1-based): chr17:34,635,016, G>A. VCF-style: chr17-34635016-G-A. GRCh37 (hg19) VCF-style: chr17-32962035-G-A.
Other names: NM_207313.1:c.1636G>A; short protein forms D636N.
Identifiers: ClinVar variation 1974201 (VCV001974201.3), dbSNP rs376500448, ClinGen allele CA8496830.